The following is an entry in ClinVar:

ClinVar aggregate classification (germline): Uncertain significance (1 of 4 stars; one submission).

Submission:

GeneDx
Classification: Uncertain significance. Last evaluated: 2025-06-12. Review status: criteria provided, single submitter. Criteria: GeneDx Variant Classification Process June 2021. Collection method: clinical testing. Allele origin: germline. Affected: yes.
Comment: Not observed at significant frequency in large population cohorts (gnomAD); In silico analysis supports that this missense variant has a deleterious effect on protein structure/function; Has not been previously published as pathogenic or benign to our knowledge

NM_001366521.1(ATP2B1):c.2573T>G (p.Phe858Cys)

Gene: ATP2B1 (ATPase plasma membrane Ca2+ transporting 1; minus strand). Cytogenetic location: 12q21.33.
Variant type: single nucleotide variant.
Coding change: c.2573T>G on transcript NM_001366521.1 (MANE Select); coding-DNA position 2573, T replaced by G.
Protein change: p.Phe858Cys; replaces phenylalanine 858 with cysteine.
Molecular consequence: missense variant. On other transcripts: non-coding transcript variant (3).
Genome position (GRCh38, 1-based): chr12:89,604,216, A>C on the plus strand (T>G on the coding strand, the complement: ATP2B1 is on the minus strand). VCF-style: chr12-89604216-A-C. GRCh37 (hg19) VCF-style: chr12-89997993-A-C.
Other names: c.2573T>G, p.Phe858Cys (NM_001413046.1, NM_001413047.1, NM_001413049.1 and 12 more transcripts); c.2534T>G, p.Phe845Cys (NM_001413048.1); c.2432T>G, p.Phe811Cys (NM_001413051.1, NM_001413052.1, NM_001413055.1); c.2375T>G, p.Phe792Cys (NM_001413053.1, NM_001366530.1); c.2330T>G, p.Phe777Cys (NM_001413054.1); c.2012T>G, p.Phe671Cys (NM_001366531.1, NM_001366532.1, NM_001413058.1 and 2 more transcripts); c.2318T>G, p.Phe773Cys (NM_001413056.1); c.2120T>G, p.Phe707Cys (NM_001413057.1); short protein forms F671C, F707C, F773C, F777C, F792C, F811C, F845C, F858C.
Identifiers: ClinVar variation 4538105 (VCV004538105.1).